The following is an entry in ClinVar:

NM_006031.6(PCNT):c.1735G>C (p.Asp579His)

Gene: PCNT (pericentrin; plus strand). Cytogenetic location: 21q22.3.
Variant type: single nucleotide variant.
Coding change: c.1735G>C on transcript NM_006031.6 (MANE Select); coding-DNA position 1735, G replaced by C.
Protein change: p.Asp579His; replaces aspartic acid 579 with histidine.
Molecular consequence: missense variant.
Genome position (GRCh38, 1-based): chr21:46,354,042, G>C. VCF-style: chr21-46354042-G-C. GRCh37 (hg19) VCF-style: chr21-47773956-G-C.
Other names: c.1381G>C, p.Asp461His (NM_001315529.2); short protein forms D579H, D461H.
Identifiers: ClinVar variation 3696424 (VCV003696424.2).

ClinVar aggregate classification (germline): Uncertain significance (1 of 4 stars; one submission).

gnomAD v4.1: 1 of 1,614,128 alleles (0.000062%); highest among the groups gnomAD compares: Admixed American, 0.0017%; no homozygotes.

Submission:

Labcorp Genetics (formerly Invitae), Labcorp
Classification: Uncertain significance. Last evaluated: 2024-12-16. Review status: criteria provided, single submitter. Criteria: Invitae Variant Classification Sherloc (09022015). Collection method: clinical testing. Allele origin: germline.
Comment: This sequence change replaces aspartic acid, which is acidic and polar, with histidine, which is basic and polar, at codon 579 of the PCNT protein (p.Asp579His). This variant is not present in population databases (gnomAD no frequency). This variant has not been reported in the literature in individuals affected with PCNT-related conditions. An algorithm developed to predict the effect of missense changes on protein structure and function (PolyPhen-2) suggests that this variant is likely to be tolerated. In summary, the available evidence is currently insufficient to determine the role of this variant in disease. Therefore, it has been classified as a Variant of Uncertain Significance.